The following is an entry in ClinVar:

ClinVar aggregate classification (germline): Uncertain significance. Review status: criteria provided, multiple submitters, no conflicts (2 of 4 stars). 3 submissions from 3 submitters: Uncertain significance (3). Last evaluated 2024-06-05.

Conditions:
Retinitis pigmentosa 38 (RP38). Also called: ROD-CONE DYSTROPHY, CHILDHOOD-ONSET. Identifiers: Orphanet 791, MedGen C3151228, MONDO:0013469, OMIM 613862.

Allele frequency attached by ClinVar (database versions not stated): gnomAD exomes below 0.00001 and 0.00001; TOPMed below 0.00001; ExAC 0.00001.
gnomAD v4.1: 7 of 1,613,646 alleles (0.00043%); highest among the groups gnomAD compares: East Asian, 0.0045%; no homozygotes.

Submissions (3):

Blueprint Genetics
Classification: Uncertain significance. Last evaluated: 2024-06-05. Review status: criteria provided, single submitter. Criteria: ACMG Guidelines, 2015. Collection method: clinical testing. Allele origin: germline.

3billion
Classification: Uncertain significance for Retinitis pigmentosa 38. Last evaluated: 2023-08-17. Review status: criteria provided, single submitter. Criteria: ACMG Guidelines, 2015. Collection method: clinical testing. Allele origin: germline. Affected: yes.
Comment: The variant is observed at an extremely low frequency in the gnomAD v2.1.1 dataset (total allele frequency: 0.000%). Predicted Consequence/Location: Synonymous variant In silico tools predict the variant to alter splicing and produce an abnormal transcript [SpliceAI: 0.99 (>=0.2, moderate evidence for spliceogenicity)]. Therefore, this variant is classified as VUS according to the recommendation of ACMG/AMP guideline.

Labcorp Genetics (formerly Invitae), Labcorp
Classification: Uncertain significance. Last evaluated: 2022-08-15. Review status: criteria provided, single submitter. Criteria: Invitae Variant Classification Sherloc (09022015). Collection method: clinical testing. Allele origin: germline.
Comment: In summary, the available evidence is currently insufficient to determine the role of this variant in disease. Therefore, it has been classified as a Variant of Uncertain Significance. Algorithms developed to predict the effect of sequence changes on RNA splicing suggest that this variant may disrupt the consensus splice site. ClinVar contains an entry for this variant (Variation ID: 862734). This variant has been observed in individual(s) with clinical features of inherited retinal disease (Invitae). In at least one individual the data is consistent with being in trans (on the opposite chromosome) from a pathogenic variant. This variant is present in population databases (rs771592694, gnomAD 0.006%). This sequence change affects codon 740 of the MERTK mRNA. It is a 'silent' change, meaning that it does not change the encoded amino acid sequence of the MERTK protein.

NM_006343.3(MERTK):c.2220G>A (p.Ala740=)

Gene: MERTK (MER proto-oncogene, tyrosine kinase; plus strand). Cytogenetic location: 2q13.
Variant type: single nucleotide variant.
Coding change: c.2220G>A on transcript NM_006343.3 (MANE Select); coding-DNA position 2220, G replaced by A.
Protein change: p.Ala740=; no amino-acid change (alanine 740 retained).
Molecular consequence: synonymous variant.
Genome position (GRCh38, 1-based): chr2:112,021,452, G>A. VCF-style: chr2-112021452-G-A. GRCh37 (hg19) VCF-style: chr2-112779029-G-A.
Identifiers: ClinVar variation 862734 (VCV000862734.11), dbSNP rs771592694, ClinGen allele CA1831776.